The following is an entry in ClinVar:

NM_014712.3(SETD1A):c.4429A>C (p.Lys1477Gln)

Gene: SETD1A (SET domain containing 1A, histone lysine methyltransferase; plus strand). Cytogenetic location: 16p11.2.
Variant type: single nucleotide variant.
Coding change: c.4429A>C on transcript NM_014712.3 (MANE Select); coding-DNA position 4429, A replaced by C.
Protein change: p.Lys1477Gln; replaces lysine 1477 with glutamine.
Molecular consequence: missense variant.
Genome position (GRCh38, 1-based): chr16:30,980,505, A>C. VCF-style: chr16-30980505-A-C. GRCh37 (hg19) VCF-style: chr16-30991826-A-C.
Other names: short protein forms K1477Q.
Identifiers: ClinVar variation 3369770 (VCV003369770.1).

ClinVar aggregate classification (germline): Uncertain significance (1 of 4 stars; one submission).

gnomAD v4.1: 1 of 1,613,878 alleles (0.000062%); highest among the groups gnomAD compares: Non-Finnish European, 0.000085%; no homozygotes.

Submission:

GeneDx
Classification: Uncertain significance. Last evaluated: 2024-02-28. Review status: criteria provided, single submitter. Criteria: GeneDx Variant Classification Process June 2021. Collection method: clinical testing. Allele origin: germline. Affected: yes.
Comment: Not observed at significant frequency in large population cohorts (gnomAD); In silico analysis supports that this missense variant does not alter protein structure/function; Has not been previously published as pathogenic or benign to our knowledge